The following is an entry in ClinVar:

ClinVar aggregate classification (germline): Uncertain significance (1 of 4 stars; one submission).

Conditions:
Mucolipidosis type IV (ML4). Also called: ML IV. Identifiers: Orphanet 578, MedGen C0238286, MONDO:0009653, OMIM 252650.

gnomAD v4.1: 4 of 1,614,048 alleles (0.00025%); highest among the groups gnomAD compares: African/African-American, 0.0013%; no homozygotes.

Submission:

Labcorp Genetics (formerly Invitae), Labcorp
Classification: Uncertain significance for Mucolipidosis type IV. Last evaluated: 2026-01-27. Review status: criteria provided, single submitter. Criteria: Invitae Variant Classification Sherloc (09022015). Collection method: clinical testing. Allele origin: germline.
Comment: This sequence change replaces arginine, which is basic and polar, with tryptophan, which is neutral and slightly polar, at codon 270 of the MCOLN1 protein (p.Arg270Trp). This variant is not present in population databases (gnomAD no frequency). This variant has not been reported in the literature in individuals affected with MCOLN1-related conditions. Invitae Evidence Modeling of protein sequence and biophysical properties (such as structural, functional, and spatial information, amino acid conservation, physicochemical variation, residue mobility, and thermodynamic stability) indicates that this missense variant is not expected to disrupt MCOLN1 protein function with a negative predictive value of 95%. In summary, the available evidence is currently insufficient to determine the role of this variant in disease. Therefore, it has been classified as a Variant of Uncertain Significance.

NM_020533.3(MCOLN1):c.808C>T (p.Arg270Trp)

Gene: MCOLN1 (mucolipin TRP cation channel 1; plus strand). Cytogenetic location: 19p13.2.
Variant type: single nucleotide variant.
Coding change: c.808C>T on transcript NM_020533.3 (MANE Select); coding-DNA position 808, C replaced by T.
Protein change: p.Arg270Trp; replaces arginine 270 with tryptophan.
Molecular consequence: missense variant.
Genome position (GRCh38, 1-based): chr19:7,528,188, C>T. VCF-style: chr19-7528188-C-T. GRCh37 (hg19) VCF-style: chr19-7593074-C-T.
Other names: short protein forms R270W.
Identifiers: ClinVar variation 4690416 (VCV004690416.1).
Genomic context (GRCh38, chr19:7,528,188, plus strand): 5'-GTTTACTCTGCCCCCAACTGGCCCCCACAGATCACGTTTGACAACAAAGCACACAGTGGG[C>T]GGATCCCCATCAGCCTGGAGACCCAGGCCCACATCCAGGAGTGTAAGCACCCCAGTGTCT-3'
Protein context (NP_065394.1, residues 260-280): ITFDNKAHSG[Arg270Trp]IPISLETQAH